The following is an entry in ClinVar:

NM_001378452.1(ITPR1):c.4233G>A (p.Pro1411=)

Gene: ITPR1 (inositol 1,4,5-trisphosphate receptor type 1; plus strand). Cytogenetic location: 3p26.1.
Variant type: single nucleotide variant.
Coding change: c.4233G>A on transcript NM_001378452.1 (MANE Select); coding-DNA position 4233, G replaced by A.
Protein change: p.Pro1411=; no amino-acid change (proline 1411 retained).
Molecular consequence: synonymous variant.
Genome position (GRCh38, 1-based): chr3:4,693,693, G>A. VCF-style: chr3-4693693-G-A. GRCh37 (hg19) VCF-style: chr3-4735377-G-A.
Other names: c.4206G>A, p.Pro1402= (NM_001099952.4); c.4188G>A, p.Pro1396= (NM_001168272.2); c.4161G>A, p.Pro1387= (NM_002222.7).
Identifiers: ClinVar variation 809406 (VCV000809406.47), dbSNP rs373572745, ClinGen allele CA2231913.

ClinVar aggregate classification (germline): Likely benign. Review status: criteria provided, multiple submitters, no conflicts (2 of 4 stars). 2 submissions from 2 submitters: Likely benign (2). Last evaluated 2025-12-31.

Allele frequency attached by ClinVar (database versions not stated): gnomAD 0.00003; gnomAD exomes 0.00009 and 0.00011; TOPMed 0.00009; ExAC 0.00013; ESP Exome Variant Server 0.00039.
gnomAD v4.1: 133 of 1,613,792 alleles (0.0082%); highest among the groups gnomAD compares: East Asian, 0.11%; no homozygotes.

Submissions (2):

Labcorp Genetics (formerly Invitae), Labcorp
Classification: Likely benign. Last evaluated: 2025-12-31. Review status: criteria provided, single submitter. Criteria: Invitae Variant Classification Sherloc (09022015). Collection method: clinical testing. Allele origin: germline.

CeGaT Center for Human Genetics Tuebingen
Classification: Likely benign. Last evaluated: 2025-11-01. Review status: criteria provided, single submitter. Criteria: CeGaT Center For Human Genetics Tuebingen Variant Classification Criteria Version 2. Collection method: clinical testing. Allele origin: germline. Affected: yes. Observed: 2 variant alleles.
Comment: ITPR1: BP4, BP7